The following is an entry in ClinVar:

ClinVar aggregate classification (germline): Uncertain significance (1 of 4 stars; one submission).

Allele frequency attached by ClinVar (database versions not stated): gnomAD exomes below 0.00001.
gnomAD v4.1: 1 of 1,570,286 alleles (0.000064%); highest among the groups gnomAD compares: Non-Finnish European, 0.000086%; no homozygotes.

Submission:

Labcorp Genetics (formerly Invitae), Labcorp
Classification: Uncertain significance. Last evaluated: 2024-01-09. Review status: criteria provided, single submitter. Criteria: Invitae Variant Classification Sherloc (09022015). Collection method: clinical testing. Allele origin: germline.
Comment: This sequence change falls in intron 1 of the MECR gene. It does not directly change the encoded amino acid sequence of the MECR protein. It affects a nucleotide within the consensus splice site. This variant is not present in population databases (gnomAD no frequency). This variant has not been reported in the literature in individuals affected with MECR-related conditions. Variants that disrupt the consensus splice site are a relatively common cause of aberrant splicing (PMID: 17576681, 9536098). Algorithms developed to predict the effect of sequence changes on RNA splicing suggest that this variant is not likely to affect RNA splicing. In summary, the available evidence is currently insufficient to determine the role of this variant in disease. Therefore, it has been classified as a Variant of Uncertain Significance.

Literature cited by the submitters: PubMed 17576681; PubMed 9536098.

NM_016011.5(MECR):c.176+6A>T

Gene: MECR (mitochondrial trans-2-enoyl-CoA reductase; minus strand). Cytogenetic location: 1p35.3.
Variant type: single nucleotide variant.
Coding change: c.176+6A>T on transcript NM_016011.5 (MANE Select); 6 bases into the intron after coding-DNA position 176, A replaced by T.
Molecular consequence: intron variant.
Genome position (GRCh38, 1-based): chr1:29,230,725, T>A on the plus strand (A>T on the coding strand, the complement: MECR is on the minus strand). VCF-style: chr1-29230725-T-A. GRCh37 (hg19) VCF-style: chr1-29557237-T-A.
Other names: c.26+14A>T (NM_001349717.2); c.-180+6A>T (NM_001024732.4); c.176+6A>T (NM_001349716.2, NM_001349715.2); c.-174+6A>T (NM_001349714.2); c.-385+6A>T (NM_001349712.2); c.-262+6A>T (NM_001349713.2); c.-384+6A>T (NM_001349711.2).
Identifiers: ClinVar variation 3009949 (VCV003009949.3), dbSNP rs2522931664, ClinGen allele CA2644479908.